The following is an entry in ClinVar:

NM_006059.4(LAMC3):c.3133A>G (p.Ser1045Gly)

Gene: LAMC3 (laminin subunit gamma 3; plus strand). Cytogenetic location: 9q34.12.
Variant type: single nucleotide variant.
Coding change: c.3133A>G on transcript NM_006059.4 (MANE Select); coding-DNA position 3133, A replaced by G.
Protein change: p.Ser1045Gly; replaces serine 1045 with glycine.
Molecular consequence: missense variant.
Genome position (GRCh38, 1-based): chr9:131,071,547, A>G. VCF-style: chr9-131071547-A-G. GRCh37 (hg19) VCF-style: chr9-133946934-A-G.
Other names: short protein forms S1045G.
Identifiers: ClinVar variation 1509446 (VCV001509446.8), dbSNP rs2133322583, ClinGen allele CA375257233.

ClinVar aggregate classification (germline): Uncertain significance (1 of 4 stars; one submission).

Submission:

Labcorp Genetics (formerly Invitae), Labcorp
Classification: Uncertain significance. Last evaluated: 2024-06-03. Review status: criteria provided, single submitter. Criteria: Invitae Variant Classification Sherloc (09022015). Collection method: clinical testing. Allele origin: germline.
Comment: This sequence change replaces serine, which is neutral and polar, with glycine, which is neutral and non-polar, at codon 1045 of the LAMC3 protein (p.Ser1045Gly). This variant is not present in population databases (gnomAD no frequency). This variant has not been reported in the literature in individuals affected with LAMC3-related conditions. ClinVar contains an entry for this variant (Variation ID: 1509446). An algorithm developed to predict the effect of missense changes on protein structure and function (PolyPhen-2) suggests that this variant is likely to be tolerated. In summary, the available evidence is currently insufficient to determine the role of this variant in disease. Therefore, it has been classified as a Variant of Uncertain Significance.